The following is an entry in ClinVar:

NM_001458.5(FLNC):c.5583T>C (p.His1861=)

Genes: FLNC (filamin C; plus strand), FLNC-AS1 (FLNC antisense RNA 1; minus strand). Cytogenetic location: 7q32.1.
Variant type: single nucleotide variant.
Coding change: c.5583T>C on transcript NM_001458.5 (MANE Select); coding-DNA position 5583, T replaced by C.
Protein change: p.His1861=; no amino-acid change (histidine 1861 retained).
Molecular consequence: synonymous variant.
Genome position (GRCh38, 1-based): chr7:128,851,275, T>C. VCF-style: chr7-128851275-T-C. GRCh37 (hg19) VCF-style: chr7-128491329-T-C.
Other names: c.5583T>C (NM_001458.4); c.5484T>C, p.His1828= (NM_001127487.2).
Identifiers: ClinVar variation 1124336 (VCV001124336.10), dbSNP rs777992233, ClinGen allele CA4475736.

ClinVar aggregate classification (germline): Likely benign. Review status: criteria provided, multiple submitters, no conflicts (2 of 4 stars). 2 submissions from 2 submitters: Likely benign (2). Last evaluated 2026-06-02.

Conditions:
FLNC-related disorder. Also called: FLNC-related disorders; FLNC-related condition.
Distal myopathy with posterior leg and anterior hand involvement. Also called: WILLIAMS DISTAL MYOPATHY. Identifiers: Orphanet 63273, MedGen C3279722, MONDO:0013550, OMIM 614065.
Hypertrophic cardiomyopathy 26. Also called: Cardiomyopathy, familial hypertrophic, 26. Identifiers: Orphanet 75249, MedGen C4310749, MONDO:0014883, OMIM 617047.
Myofibrillar myopathy 5. Also called: Filaminopathy (type); FILAMINOPATHY, AUTOSOMAL DOMINANT. Identifiers: Orphanet 171445, MedGen C1836050, MONDO:0012289, OMIM 609524.

Allele frequency attached by ClinVar (database versions not stated): ExAC 0.00001; gnomAD 0.00001.
gnomAD v4.1: 3 of 1,613,992 alleles (0.00019%); highest among the groups gnomAD compares: Admixed American, 0.0033%; no homozygotes.

Submissions (2):

PreventionGenetics, part of Exact Sciences
Classification: Likely benign for FLNC-related condition. Last evaluated: 2026-06-02. Review status: criteria provided, single submitter. Criteria: ACMG Guidelines, 2015. Collection method: clinical testing. Allele origin: germline.
Comment: This variant is classified as likely benign based on ACMG/AMP sequence variant interpretation guidelines (Richards et al. 2015 PMID: 25741868, with internal and published modifications).

Labcorp Genetics (formerly Invitae), Labcorp
Classification: Likely benign for Distal myopathy with posterior leg and anterior hand involvement; Myofibrillar myopathy 5; Hypertrophic cardiomyopathy 26. Last evaluated: 2026-01-18. Review status: criteria provided, single submitter. Criteria: Invitae Variant Classification Sherloc (09022015). Collection method: clinical testing. Allele origin: germline.